The following is an entry in ClinVar:

NM_000661.5(RPL9):c.-2+4A>G

Genes: RPL9 (ribosomal protein L9; minus strand), LOC112939935 (Sharpr-MPRA regulatory region 11886; plus strand). Cytogenetic location: 4p14.
Variant type: single nucleotide variant.
Coding change: c.-2+4A>G on transcript NM_000661.5 (MANE Select); 4 bases into the intron after 2 bases upstream of the start codon, A replaced by G.
Molecular consequence: intron variant.
Genome position (GRCh38, 1-based): chr4:39,458,887, T>C on the plus strand (A>G on the coding strand, the complement: RPL9 is on the minus strand). VCF-style: chr4-39458887-T-C. GRCh37 (hg19) VCF-style: chr4-39460507-T-C.
Other names: c.-160+4A>G (NM_001024921.4).
Identifiers: ClinVar variation 3046645 (VCV003046645.3), dbSNP rs192165699, ClinGen allele CA2894468.

ClinVar aggregate classification (germline): Likely benign. Review status: criteria provided, single submitter (1 of 4 stars). 2 submissions from 2 submitters: Likely benign (1). 1 of the submissions does not count toward it.

Conditions:
RPL9-related disorder. Also called: RPL9-related condition.

Allele frequency attached by ClinVar (database versions not stated): gnomAD exomes 0.00017; ExAC 0.00030; TOPMed 0.00056; gnomAD 0.00058; 1000 Genomes Project 30x 0.00125; 1000 Genomes Project 0.00140.
gnomAD v4.1: 183 of 702,254 alleles (0.026%); highest among the groups gnomAD compares: African/African-American, 0.18%; no homozygotes.

Submissions (2):

Breakthrough Genomics
Classification: Likely benign. Review status: criteria provided, single submitter. Criteria: ACMG Guidelines, 2015. Collection method: not provided. Allele origin: germline. Inheritance: Unknown mechanism. Affected: yes.

PreventionGenetics, part of Exact Sciences
Classification: Likely benign for RPL9-related condition. Last evaluated: 2024-02-27. Review status: no assertion criteria provided. Collection method: clinical testing. Allele origin: germline. Not counted in ClinVar's aggregate classification.
Comment: This variant is classified as likely benign based on ACMG/AMP sequence variant interpretation guidelines (Richards et al. 2015 PMID: 25741868, with internal and published modifications).